The following is an entry in ClinVar:

ClinVar aggregate classification (germline): Uncertain significance (1 of 4 stars; one submission).

Conditions:
Hereditary spastic paraplegia 30. Identifiers: Orphanet 101010, MedGen C5235139, MONDO:0012476.
Neuropathy, hereditary sensory, type 2C. Also called: Hereditary sensory and autonomic neuropathy type IIC; KIF1A-Related HSAN2 (HSAN2C). Identifiers: Orphanet 970, MedGen C3280168, MONDO:0013634, OMIM 614213.
Intellectual disability, autosomal dominant 9 (NESCAVS). Also called: NESCAV SYNDROME; KIF1A-Related Neurodevelopmental Disorder. Identifiers: Orphanet 662367, MedGen C5393830, MONDO:0013656, OMIM 614255.

Allele frequency attached by ClinVar (database versions not stated): gnomAD exomes below 0.00001 and 0.00001; ExAC 0.00001; gnomAD 0.00001; TOPMed 0.00001.
gnomAD v4.1: 11 of 1,612,888 alleles (0.00068%); highest among the groups gnomAD compares: Admixed American, 0.0017%; no homozygotes.

Submission:

Labcorp Genetics (formerly Invitae), Labcorp
Classification: Uncertain significance for Hereditary spastic paraplegia 30; Neuropathy, hereditary sensory, type 2C; Intellectual disability, autosomal dominant 9. Last evaluated: 2025-09-09. Review status: criteria provided, single submitter. Criteria: Invitae Variant Classification Sherloc (09022015). Collection method: clinical testing. Allele origin: germline.
Comment: This sequence change replaces valine, which is neutral and non-polar, with methionine, which is neutral and non-polar, at codon 834 of the KIF1A protein (p.Val834Met). This variant is present in population databases (rs551697944, gnomAD 0.003%). This variant has not been reported in the literature in individuals affected with KIF1A-related conditions. ClinVar contains an entry for this variant (Variation ID: 1429809). Invitae Evidence Modeling of protein sequence and biophysical properties (such as structural, functional, and spatial information, amino acid conservation, physicochemical variation, residue mobility, and thermodynamic stability) has been performed for this missense variant. However, the output from this modeling did not meet the statistical confidence thresholds required to predict the impact of this variant on KIF1A protein function. In summary, the available evidence is currently insufficient to determine the role of this variant in disease. Therefore, it has been classified as a Variant of Uncertain Significance.

NM_001244008.2(KIF1A):c.2527G>A (p.Val843Met)

Gene: KIF1A (kinesin family member 1A; minus strand). Cytogenetic location: 2q37.3.
Variant type: single nucleotide variant.
Coding change: c.2527G>A on transcript NM_001244008.2 (MANE Select); coding-DNA position 2527, G replaced by A.
Protein change: p.Val843Met; replaces valine 843 with methionine.
Molecular consequence: missense variant.
Genome position (GRCh38, 1-based): chr2:240,758,415, C>T on the plus strand (G>A on the coding strand, the complement: KIF1A is on the minus strand). VCF-style: chr2-240758415-C-T. GRCh37 (hg19) VCF-style: chr2-241697832-C-T.
Other names: c.2527G>A, p.Val843Met (NM_001320705.2, NM_001330289.2, NM_001379638.1); c.2602G>A, p.Val868Met (NM_001330290.2, NM_001379631.1, NM_001379634.1 and 2 more transcripts); c.2500G>A, p.Val834Met (NM_001379632.1, NM_001379633.1, NM_001379636.1 and 10 more transcripts); c.2575G>A, p.Val859Met (NM_001379637.1, NM_001379648.1); short protein forms V859M, V834M, V843M, V868M.
Identifiers: ClinVar variation 1429809 (VCV001429809.8), dbSNP rs551697944, ClinGen allele CA2208076.